The following is an entry in ClinVar:

ClinVar aggregate classification (germline): Pathogenic. Review status: criteria provided, multiple submitters, no conflicts (2 of 4 stars). 2 submissions from 2 submitters: Pathogenic (2). Last evaluated 2025-03-18.

Conditions:
Combined immunodeficiency due to STK4 deficiency (IMD110). Also called: STK4 DEFICIENCY; MST1 DEFICIENCY; T-cell immunodeficiency, recurrent infections, and autoimmunity with or without cardiac malformations. Identifiers: Orphanet 314689, MedGen C3553943, MONDO:0013934, OMIM 614868.

Allele frequency attached by ClinVar (database versions not stated): ExAC 0.00001; gnomAD 0.00001 and 0.00002; gnomAD exomes 0.00001.
gnomAD v4.1: 14 of 1,611,062 alleles (0.00087%); highest among the groups gnomAD compares: South Asian, 0.0011%; no homozygotes.

Submissions (2):

Labcorp Genetics (formerly Invitae), Labcorp
Classification: Pathogenic for Combined immunodeficiency due to STK4 deficiency. Last evaluated: 2025-03-18. Review status: criteria provided, single submitter. Criteria: Invitae Variant Classification Sherloc (09022015). Collection method: clinical testing. Allele origin: germline.
Comment: This sequence change creates a premature translational stop signal (p.Arg148*) in the STK4 gene. It is expected to result in an absent or disrupted protein product. Loss-of-function variants in STK4 are known to be pathogenic (PMID: 22174160). This variant is present in population databases (rs749441226, gnomAD 0.004%). This premature translational stop signal has been observed in individual(s) with autosomal recessive combined immunodeficiency (PMID: 26801501). It has also been observed to segregate with disease in related individuals. ClinVar contains an entry for this variant (Variation ID: 1075656). For these reasons, this variant has been classified as Pathogenic.

Dasa
Classification: Pathogenic for Combined immunodeficiency due to STK4 deficiency. Last evaluated: 2022-11-03. Review status: criteria provided, single submitter. Criteria: ACMG Guidelines, 2015. Collection method: clinical testing. Allele origin: germline. Affected: yes. Observed: 1 variant allele.
Comment: The c.442C>T;p.(Arg148*) variant creates a premature translational stop signal in the STK4 gene. It is expected to result in an absent or disrupted protein product - PVS1. ClinVar contains an entry for this variant (Clinvar ID: 1075656) - PS4_supporting. The variant is present at low allele frequencies population databases (rs749441226 – gnomAD 0.0001979%; ABraOM no frequency) - PM2_supporting. In summary, the currently available evidence indicates that the variant is pathogenic.

Literature cited by the submitters: PubMed 22174160 (cited by Labcorp Genetics (formerly Invitae), Labcorp); PubMed 26801501 (cited by Labcorp Genetics (formerly Invitae), Labcorp).

NM_006282.5(STK4):c.442C>T (p.Arg148Ter)

Gene: STK4 (serine/threonine kinase 4; plus strand). Cytogenetic location: 20q13.12.
Variant type: single nucleotide variant.
Coding change: c.442C>T on transcript NM_006282.5 (MANE Select); coding-DNA position 442, C replaced by T.
Protein change: p.Arg148Ter; replaces arginine 148 with a stop codon.
Molecular consequence: nonsense.
Genome position (GRCh38, 1-based): chr20:44,987,213, C>T. VCF-style: chr20-44987213-C-T. GRCh37 (hg19) VCF-style: chr20-43615854-C-T.
Other names: c.442C>T, p.Arg148Ter (NM_001352385.2); short protein forms R148*.
Identifiers: ClinVar variation 1075656 (VCV001075656.11), dbSNP rs749441226, ClinGen allele CA9873806.